The following is an entry in ClinVar:

ClinVar aggregate classification (germline): Likely pathogenic. Review status: criteria provided, multiple submitters, no conflicts (2 of 4 stars). 2 submissions from 2 submitters: Likely pathogenic (2). Last evaluated 2023-05-30.

Conditions:
Familial cancer of breast. Also called: hereditary breast carcinoma; Hereditary breast cancer; BREAST CANCER, FAMILIAL. Identifiers: Orphanet 227535, MedGen C0346153, MONDO:0016419, OMIM 114480. Disease mechanism: loss of function.
Fanconi anemia complementation group J. Also called: BRIP1-Related Fanconi Anemia. Identifiers: Orphanet 84, MedGen C1836860, MONDO:0012187, OMIM 609054.

Submissions (2):

Myriad Genetics, Inc.
Classification: Likely pathogenic for Familial cancer of breast. Last evaluated: 2023-05-30. Review status: criteria provided, single submitter. Criteria: Myriad Autosomal Dominant, Autosomal Recessive and X-Linked Classification Criteria (2023). Collection method: clinical testing. Allele origin: unknown.
Comment: This variant is considered likely pathogenic. This variant occurs within a consensus splice junction and is predicted to result in abnormal mRNA splicing of either an out-of-frame exon or an in-frame exon necessary for protein stability and/or normal function.

Labcorp Genetics (formerly Invitae), Labcorp
Classification: Likely pathogenic for Familial cancer of breast; Fanconi anemia complementation group J. Last evaluated: 2021-12-08. Review status: criteria provided, single submitter. Criteria: Invitae Variant Classification Sherloc (09022015). Collection method: clinical testing. Allele origin: germline.
Comment: This variant results in the deletion of part of exon 2 (c.73_93+14del) of the BRIP1 gene. It is expected to disrupt RNA splicing. Variants that disrupt the donor or acceptor splice site typically lead to a loss of protein function (PMID: 16199547), and loss-of-function variants in BRIP1 are known to be pathogenic (PMID: 16116423, 17033622, 21964575). This variant is not present in population databases (gnomAD no frequency). This variant has not been reported in the literature in individuals affected with BRIP1-related conditions. Algorithms developed to predict the effect of sequence changes on RNA splicing suggest that this variant may disrupt the consensus splice site. In summary, the currently available evidence indicates that the variant is pathogenic, but additional data are needed to prove that conclusively. Therefore, this variant has been classified as Likely Pathogenic.

Literature cited by the submitters: PubMed 16199547 (cited by Labcorp Genetics (formerly Invitae), Labcorp); PubMed 16116423 (cited by Labcorp Genetics (formerly Invitae), Labcorp); PubMed 17033622 (cited by Labcorp Genetics (formerly Invitae), Labcorp); PubMed 21964575 (cited by Labcorp Genetics (formerly Invitae), Labcorp).

NM_032043.3(BRIP1):c.73_93+14del

Gene: BRIP1 (BRCA1 interacting DNA helicase 1; minus strand). Cytogenetic location: 17q23.2.
Variant type: Deletion.
Coding change: c.73_93+14del on transcript NM_032043.3 (MANE Select); coding-DNA position 73 through 14 bases into the intron after coding-DNA position 93, 35 bases deleted.
Molecular consequence: splice donor variant.
Genome position (GRCh38, 1-based): chr17:61,861,433-61,861,467, 35 bases deleted; deleting any 35 consecutive bases within chr17:61,861,433-61,861,470 gives the same sequence; the c. name uses the placement nearest the transcript's 3' end. GRCh37 (hg19): chr17:59,938,797-59,938,831.
Identifiers: ClinVar variation 1511023 (VCV001511023.8), dbSNP rs2145863122, ClinGen allele CA2573154360.